The following is an entry in ClinVar:

NM_144992.5(VWA3B):c.3688_3713delinsTGCC (p.Gly1230fs)

Gene: VWA3B (von Willebrand factor A domain containing 3B; plus strand). Cytogenetic location: 2q11.2.
Variant type: Indel.
Coding change: c.3688_3713delinsTGCC on transcript NM_144992.5 (MANE Select); coding-DNA positions 3688 to 3713, GGCATCAGCTCCCATGGGTCCTGCCA replaced by TGCC.
Protein change: p.Gly1230fs; shifts the reading frame from glycine 1230.
Molecular consequence: frameshift variant. On other transcripts: non-coding transcript variant (1).
Genome position (GRCh38, 1-based): chr2:98,311,985-98,312,010, GGCATCAGCTCCCATGGGTCCTGCCA replaced by TGCC. VCF-style: chr2-98311985-GGCATCAGCTCCCATGGGTCCTGCCA-TGCC. GRCh37 (hg19) VCF-style: chr2-98928448-GGCATCAGCTCCCATGGGTCCTGCCA-TGCC.
Other names: c.2659_2684delinsTGCC, p.Gly887fs (NM_001345864.2); short protein forms G1230fs, G887fs.
Identifiers: ClinVar variation 4849329 (VCV004849329.1).
Genomic context (GRCh38, chr2:98,311,985, plus strand): 5'-AGGCCCGCCAAGCAGCCACTCCAGCAGGCGGCGCCCTCGGACTCGGACGGCTCCTCCCAC[GGCATCAGCTCCCATGGGTCCTGCCA>TGCC]GGGGACACACCCCGAGCCCAGGGTTTGGGTGATGGGGGGGGAACACAACATCGCTTATCT-3'

ClinVar aggregate classification (germline): Likely pathogenic (1 of 4 stars; one submission).

Conditions:
Spinocerebellar ataxia, autosomal recessive 22 (SCAR22). Identifiers: MedGen C4310781, MONDO:0014845, OMIM 616948.

Submission:

First Genomix Gene Laboratory, Genetic Diagnostics Department
Classification: Likely pathogenic for Spinocerebellar ataxia, autosomal recessive 22. Last evaluated: 2025-07-09. Review status: criteria provided, single submitter. Criteria: ACMG Guidelines, 2015. Collection method: clinical testing. Allele origin: germline. Inheritance: Autosomal recessive inheritance. Affected: no. Observed: 1 variant allele.